The following is an entry in ClinVar:

ClinVar aggregate classification (germline): Uncertain significance. Review status: criteria provided, multiple submitters, no conflicts (2 of 4 stars). 5 submissions from 5 submitters: Uncertain significance (5). Last evaluated 2026-01-22.

Conditions:
Epilepsy, idiopathic generalized, susceptibility to, 18. Identifiers: MedGen C5561983, MONDO:0030434, OMIM 619521.
Brugada syndrome 8 (BRGDA8). Identifiers: Orphanet 130, MedGen C2751083, MONDO:0013148, OMIM 613123.
Sick sinus syndrome 2, autosomal dominant (SSS2). Also called: ATRIAL FIBRILLATION WITH BRADYARRHYTHMIA; SICK SINUS SYNDROME 2; SICK SINUS SYNDROME 2 WITH OR WITHOUT CARDIAC NONCOMPACTION AND/OR ASCENDING AORTA DILATION; SINUS BRADYCARDIA SYNDROME, FAMILIAL, AUTOSOMAL DOMINANT; SINUS NODE DISEASE, FAMILIAL, AUTOSOMAL DOMINANT. Identifiers: Orphanet 166282, MedGen C1834144, MONDO:0008102, OMIM 163800.
Cardiovascular phenotype. Identifiers: MedGen CN230736.

Allele frequency attached by ClinVar (database versions not stated): TOPMed 0.00003.
gnomAD v4.1: 37 of 1,454,496 alleles (0.0025%); highest among the groups gnomAD compares: Non-Finnish European, 0.0034%; no homozygotes.

Submissions (5):

Labcorp Genetics (formerly Invitae), Labcorp
Classification: Uncertain significance for Brugada syndrome 8. Last evaluated: 2026-01-22. Review status: criteria provided, single submitter. Criteria: Invitae Variant Classification Sherloc (09022015). Collection method: clinical testing. Allele origin: germline.
Comment: This sequence change replaces proline, which is neutral and non-polar, with serine, which is neutral and polar, at codon 1034 of the HCN4 protein (p.Pro1034Ser). The frequency data for this variant in the population databases is considered unreliable, as metrics indicate poor data quality at this position in the gnomAD database. This variant has not been reported in the literature in individuals affected with HCN4-related conditions. ClinVar contains an entry for this variant (Variation ID: 935983). Invitae Evidence Modeling of protein sequence and biophysical properties (such as structural, functional, and spatial information, amino acid conservation, physicochemical variation, residue mobility, and thermodynamic stability) indicates that this missense variant is not expected to disrupt HCN4 protein function with a negative predictive value of 95%. In summary, the available evidence is currently insufficient to determine the role of this variant in disease. Therefore, it has been classified as a Variant of Uncertain Significance.

Ambry Genetics
Classification: Uncertain significance for Cardiovascular phenotype. Last evaluated: 2025-01-21. Review status: criteria provided, single submitter. Criteria: Ambry Variant Classification Scheme 2023. Collection method: clinical testing. Allele origin: germline.
Comment: The p.P1034S variant (also known as c.3100C>T), located in coding exon 8 of the HCN4 gene, results from a C to T substitution at nucleotide position 3100. The proline at codon 1034 is replaced by serine, an amino acid with similar properties. This amino acid position is conserved. In addition, the in silico prediction for this alteration is inconclusive. Since supporting evidence is limited at this time, the clinical significance of this alteration remains unclear.

GeneDx
Classification: Uncertain significance. Last evaluated: 2024-01-14. Review status: criteria provided, single submitter. Criteria: GeneDx Variant Classification Process June 2021. Collection method: clinical testing. Allele origin: germline. Affected: yes.
Comment: Has not been previously published as pathogenic or benign to our knowledge; Not observed at significant frequency in large population cohorts (gnomAD); In silico analysis supports that this missense variant does not alter protein structure/function

Women's Health and Genetics/Laboratory Corporation of America, LabCorp
Classification: Uncertain significance. Last evaluated: 2023-10-23. Review status: criteria provided, single submitter. Criteria: LabCorp Variant Classification Summary - May 2015. Collection method: clinical testing. Allele origin: germline.

Fulgent Genetics
Classification: Uncertain significance for Sick sinus syndrome 2, autosomal dominant; Brugada syndrome 8; Epilepsy, idiopathic generalized, susceptibility to, 18. Last evaluated: 2021-10-13. Review status: criteria provided, single submitter. Criteria: ACMG Guidelines, 2015. Collection method: clinical testing. Allele origin: unknown.

NM_005477.3(HCN4):c.3100C>T (p.Pro1034Ser)

Gene: HCN4 (hyperpolarization activated cyclic nucleotide gated potassium channel 4; minus strand). Cytogenetic location: 15q24.1.
Variant type: single nucleotide variant.
Coding change: c.3100C>T on transcript NM_005477.3 (MANE Select); coding-DNA position 3100, C replaced by T.
Protein change: p.Pro1034Ser; replaces proline 1034 with serine.
Molecular consequence: missense variant.
Genome position (GRCh38, 1-based): chr15:73,322,993, G>A on the plus strand (C>T on the coding strand, the complement: HCN4 is on the minus strand). VCF-style: chr15-73322993-G-A. GRCh37 (hg19) VCF-style: chr15-73615334-G-A.
Other names: short protein forms P1034S.
Identifiers: ClinVar variation 935983 (VCV000935983.13), dbSNP rs1158677290, ClinGen allele CA393086215.